The following is an entry in ClinVar:

ClinVar aggregate classification (germline): Uncertain significance (1 of 4 stars; one submission).

Conditions:
Cardiovascular phenotype. Identifiers: MedGen CN230736.

Submission:

Ambry Genetics
Classification: Uncertain significance for Cardiovascular phenotype. Last evaluated: 2022-09-12. Review status: criteria provided, single submitter. Criteria: Ambry Variant Classification Scheme 2023. Collection method: clinical testing. Allele origin: germline.
Comment: The p.G4864A variant (also known as c.14591G>C) is located in coding exon 102 of the RYR2 gene. The glycine at codon 4864 is replaced by alanine, an amino acid with similar properties. This change occurs in the first base pair of coding exon 102. This amino acid position is highly conserved in available vertebrate species. In addition, this alteration is predicted to be deleterious by in silico analysis. Since supporting evidence is limited at this time, the clinical significance of this alteration remains unclear.

NM_001035.3(RYR2):c.14591G>C (p.Gly4864Ala)

Gene: RYR2 (ryanodine receptor 2; plus strand). Cytogenetic location: 1q43.
Variant type: single nucleotide variant.
Coding change: c.14591G>C on transcript NM_001035.3 (MANE Select); coding-DNA position 14591, G replaced by C.
Protein change: p.Gly4864Ala; replaces glycine 4864 with alanine.
Molecular consequence: missense variant.
Genome position (GRCh38, 1-based): chr1:237,828,381, G>C. VCF-style: chr1-237828381-G-C. GRCh37 (hg19) VCF-style: chr1-237991681-G-C.
Other names: short protein forms G4864A.
Identifiers: ClinVar variation 1773097 (VCV001773097.2), dbSNP rs2528437706, ClinGen allele CA345429219.
Genomic context (GRCh38, chr1:237,828,381, plus strand): 5'-CAAGGAACTGAATTATTCATTGCTTGATAAAGATTAAATTGTGTTTTTATTTAACACCAG[G>C]TCTAATTATTGATGCTTTTGGAGAACTAAGAGACCAACAGGAACAAGTCAAAGAAGACAT-3'
Protein context (NP_001026.2, residues 4854-4874): VIVILLAIIQ[Gly4864Ala]LIIDAFGELR